The following is an entry in ClinVar:

ClinVar aggregate classification (germline): Uncertain significance (1 of 4 stars; one submission).

Conditions:
Hereditary cancer-predisposing syndrome. Also called: Neoplastic Syndromes, Hereditary; Tumor predisposition; Hereditary Cancer Syndrome; Hereditary neoplastic syndrome. Identifiers: Orphanet 140162, MedGen C0027672, MeSH D009386, MONDO:0015356.

Submission:

Ambry Genetics
Classification: Uncertain significance for Hereditary cancer-predisposing syndrome. Last evaluated: 2018-03-30. Review status: criteria provided, single submitter. Criteria: Ambry Variant Classification Scheme 2023. Collection method: clinical testing. Allele origin: germline.
Comment: The p.H54P variant (also known as c.161A>C), located in coding exon 1 of the CHEK2 gene, results from an A to C substitution at nucleotide position 161. The histidine at codon 54 is replaced by proline, an amino acid with similar properties. This amino acid position is well conserved in available vertebrate species. In addition, the in silico prediction for this alteration is inconclusive. Since supporting evidence is limited at this time, the clinical significance of this alteration remains unclear.

NM_007194.4(CHEK2):c.161A>C (p.His54Pro)

Gene: CHEK2 (checkpoint kinase 2; minus strand). Cytogenetic location: 22q12.1.
Variant type: single nucleotide variant.
Coding change: c.161A>C on transcript NM_007194.4 (MANE Select); coding-DNA position 161, A replaced by C.
Protein change: p.His54Pro; replaces histidine 54 with proline.
Molecular consequence: missense variant.
Genome position (GRCh38, 1-based): chr22:28,734,561, T>G on the plus strand (A>C on the coding strand, the complement: CHEK2 is on the minus strand). VCF-style: chr22-28734561-T-G. GRCh37 (hg19) VCF-style: chr22-29130549-T-G.
Other names: c.161A>C, p.His54Pro (NM_001005735.3, NM_001349956.3, NM_145862.3); c.-617A>C (NM_001257387.3); short protein forms H54P.
Identifiers: ClinVar variation 819685 (VCV000819685.4), dbSNP rs1601852698, ClinGen allele CA411090954.